The following is an entry in ClinVar:

NM_000426.4(LAMA2):c.6880G>T (p.Val2294Leu)

Gene: LAMA2 (laminin subunit alpha 2; plus strand). Cytogenetic location: 6q22.33.
Variant type: single nucleotide variant.
Coding change: c.6880G>T on transcript NM_000426.4 (MANE Select); coding-DNA position 6880, G replaced by T.
Protein change: p.Val2294Leu; replaces valine 2294 with leucine.
Molecular consequence: missense variant.
Genome position (GRCh38, 1-based): chr6:129,460,212, G>T. VCF-style: chr6-129460212-G-T. GRCh37 (hg19) VCF-style: chr6-129781357-G-T.
Other names: c.6880G>T, p.Val2294Leu (NM_001079823.2); short protein forms V2294L.
Identifiers: ClinVar variation 583297 (VCV000583297.6), dbSNP rs897739893, ClinGen allele CA146888527.
Genomic context (GRCh38, chr6:129,460,212, plus strand): 5'-ATTTGTGAAATTCCAAATTCTAGCAAATAACGGTATTTCTTTCTGCAGAAGGCTGATGCT[G>T]TACGTGTGATTACATTCACTGGCTGCATGGGAGAAACATACTTTGACAACAAACCTATAG-3'
Protein context (NP_000417.3, residues 2284-2304): LTGKLKKADA[Val2294Leu]RVITFTGCMG

ClinVar aggregate classification (germline): Uncertain significance (1 of 4 stars; one submission).

Conditions:
LAMA2-related muscular dystrophy (LAMA2-RD). Also called: Laminin alpha 2-related dystrophy. Identifiers: MedGen C5679788, MONDO:0100228.

gnomAD v4.1: 22 of 1,612,016 alleles (0.0014%); highest among the groups gnomAD compares: Non-Finnish European, 0.0019%; no homozygotes.

Submission:

Labcorp Genetics (formerly Invitae), Labcorp
Classification: Uncertain significance for LAMA2-related muscular dystrophy. Last evaluated: 2025-04-14. Review status: criteria provided, single submitter. Criteria: Invitae Variant Classification Sherloc (09022015). Collection method: clinical testing. Allele origin: germline.
Comment: This sequence change replaces valine, which is neutral and non-polar, with leucine, which is neutral and non-polar, at codon 2294 of the LAMA2 protein (p.Val2294Leu). This variant is not present in population databases (gnomAD no frequency). This variant has not been reported in the literature in individuals affected with LAMA2-related conditions. ClinVar contains an entry for this variant (Variation ID: 583297). Invitae Evidence Modeling of protein sequence and biophysical properties (such as structural, functional, and spatial information, amino acid conservation, physicochemical variation, residue mobility, and thermodynamic stability) indicates that this missense variant is not expected to disrupt LAMA2 protein function with a negative predictive value of 95%. In summary, the available evidence is currently insufficient to determine the role of this variant in disease. Therefore, it has been classified as a Variant of Uncertain Significance.